The following is an entry in ClinVar:

NM_017882.3(CLN6):c.346A>G (p.Ser116Gly)

Gene: CLN6 (CLN6 transmembrane ER protein; minus strand). Cytogenetic location: 15q23.
Variant type: single nucleotide variant.
Coding change: c.346A>G on transcript NM_017882.3 (MANE Select); coding-DNA position 346, A replaced by G.
Protein change: p.Ser116Gly; replaces serine 116 with glycine.
Molecular consequence: missense variant.
Genome position (GRCh38, 1-based): chr15:68,211,815, T>C on the plus strand (A>G on the coding strand, the complement: CLN6 is on the minus strand). VCF-style: chr15-68211815-T-C. GRCh37 (hg19) VCF-style: chr15-68504153-T-C.
Other names: short protein forms S116G.
Identifiers: ClinVar variation 842017 (VCV000842017.10), dbSNP rs2093206402, ClinGen allele CA392973604.

ClinVar aggregate classification (germline): Uncertain significance (1 of 4 stars; one submission).

Conditions:
Neuronal ceroid lipofuscinosis. Also called: Neuronal Ceroid Lipofuscinoses. Identifiers: Orphanet 216, Orphanet 79263, MedGen C0027877, MONDO:0016295. Disease mechanism: loss of function.

Allele frequency attached by ClinVar (database versions not stated): TOPMed below 0.00001; gnomAD 0.00001.
gnomAD v4.1: 1 of 1,613,722 alleles (0.000062%); highest among the groups gnomAD compares: African/African-American, 0.0013%; no homozygotes.

Submission:

Labcorp Genetics (formerly Invitae), Labcorp
Classification: Uncertain significance for Neuronal ceroid lipofuscinosis. Last evaluated: 2022-06-30. Review status: criteria provided, single submitter. Criteria: Invitae Variant Classification Sherloc (09022015). Collection method: clinical testing. Allele origin: germline.
Comment: ClinVar contains an entry for this variant (Variation ID: 842017). In summary, the available evidence is currently insufficient to determine the role of this variant in disease. Therefore, it has been classified as a Variant of Uncertain Significance. Algorithms developed to predict the effect of missense changes on protein structure and function (SIFT, PolyPhen-2, Align-GVGD) all suggest that this variant is likely to be tolerated. This variant has not been reported in the literature in individuals affected with CLN6-related conditions. This variant is not present in population databases (gnomAD no frequency). This sequence change replaces serine, which is neutral and polar, with glycine, which is neutral and non-polar, at codon 116 of the CLN6 protein (p.Ser116Gly).